The following is an entry in ClinVar:

ClinVar aggregate classification (germline): Pathogenic (1 of 4 stars; one submission).

Conditions:
Hypertrophic cardiomyopathy. Also called: HYPERTROPHIC MYOCARDIOPATHY. Identifiers: Orphanet 217569, MedGen C0007194, MeSH D002312, MONDO:0005045, HP:0001639.

Submission:

Labcorp Genetics (formerly Invitae), Labcorp
Classification: Pathogenic for Hypertrophic cardiomyopathy. Last evaluated: 2023-02-01. Review status: criteria provided, single submitter. Criteria: Invitae Variant Classification Sherloc (09022015). Collection method: clinical testing. Allele origin: germline.
Comment: This variant is not present in population databases (gnomAD no frequency). This variant results in the deletion of part of exon 17 (c.1460_1624+67del) of the MYBPC3 gene. It is expected to disrupt RNA splicing. Variants that disrupt the donor or acceptor splice site typically lead to a loss of protein function (PMID: 16199547), and loss-of-function variants in MYBPC3 are known to be pathogenic (PMID: 19574547). This variant has not been reported in the literature in individuals affected with MYBPC3-related conditions. Algorithms developed to predict the effect of sequence changes on RNA splicing suggest that this variant may disrupt the consensus splice site. This variant disrupts a region of the MYBPC3 protein in which other variant(s) (p.Gly531Arg) have been determined to be pathogenic (PMID: 20624503, 21750094, 23508784, 27600940). This suggests that this is a clinically significant region of the protein, and that variants that disrupt it are likely to be disease-causing. For these reasons, this variant has been classified as Pathogenic.

Literature cited by the submitters: PubMed 16199547; PubMed 19574547; PubMed 20624503; PubMed 21750094; PubMed 23508784; PubMed 27600940.

NM_000256.3(MYBPC3):c.1460_1624+67del

Gene: MYBPC3 (myosin binding protein C3; minus strand). Cytogenetic location: 11p11.2.
Variant type: Deletion.
Coding change: c.1460_1624+67del on transcript NM_000256.3 (MANE Select); coding-DNA position 1460 through 67 bases into the intron after coding-DNA position 1624, 232 bases deleted.
Molecular consequence: splice donor variant.
Genome position (GRCh38, 1-based): chr11:47,342,511-47,342,742, 232 bases deleted. GRCh37 (hg19): chr11:47,364,064-47,364,295.
Identifiers: ClinVar variation 2032613 (VCV002032613.4), dbSNP rs2495762188, ClinGen allele CA2580084236.